The following is an entry in ClinVar:

NM_000062.3(SERPING1):c.1393_1394del (p.Ala465fs)

Gene: SERPING1 (serpin family G member 1; plus strand). Cytogenetic location: 11q12.1.
Variant type: Deletion.
Coding change: c.1393_1394del on transcript NM_000062.3 (MANE Select); coding-DNA positions 1393 to 1394, 2 bases deleted (GC; older notation c.1393_1394delGC).
Protein change: p.Ala465fs; shifts the reading frame from alanine 465.
Molecular consequence: frameshift variant.
Genome position (GRCh38, 1-based): chr11:57,614,471-57,614,472, GC deleted. VCF-style (leftmost placement, unchanged base first): chr11-57614470-GGC-G. GRCh37 (hg19) VCF-style: chr11-57381943-GGC-G.
Other names: c.1393_1394del, p.Ala465fs (NM_001032295.2); c.1393_1394delGC (NM_000062.3); short protein forms A465fs.
Identifiers: ClinVar variation 3242532 (VCV003242532.2), dbSNP rs2495458312.
Genomic context (GRCh38, chr11:57,614,470, plus strand): 5'-GACAGTGCTGGAACTGACAGAGACTGGGGTGGAGGCGGCTGCAGCCTCCGCCATCTCTGT[GGC>G]CCGCACCCTGCTGGTCTTTGAAGTGCAGCAGCCCTTCCTCTTCGTGCTCTGGGACCAGCA-3'

ClinVar aggregate classification (germline): Likely pathogenic (1 of 4 stars; one submission).

Conditions:
Hereditary angioedema type 1 (HAE1). Identifiers: Orphanet 100050, Orphanet 100051, Orphanet 91378, MedGen C2717906, MONDO:0015053, OMIM 106100.

Submission:

DNA-diagnostics Laboratory, Research Centre For Medical Genetics
Classification: Likely pathogenic for Hereditary angioedema type 1. Last evaluated: 2024-06-01. Review status: criteria provided, single submitter. Criteria: ACMG Guidelines, 2015. Collection method: research. Allele origin: germline. Inheritance: Sporadic. Affected: yes. Observed: 1 variant allele, 1 heterozygote.
Comment: The c.1393_1394delGC variant in SERPING1 meets ACMG/ClinGen SVI guidance criteria to be classified as likely pathogenic: PVS1_Str, PM2_Sup, PP4